The following is an entry in ClinVar:

ClinVar aggregate classification (germline): Uncertain significance. Review status: criteria provided, multiple submitters, no conflicts (2 of 4 stars). 2 submissions from 2 submitters: Uncertain significance (2). Last evaluated 2025-09-02.

gnomAD v4.1: 11 of 1,612,320 alleles (0.00068%); highest among the groups gnomAD compares: Non-Finnish European, 0.00093%; no homozygotes.

Submissions (2):

Labcorp Genetics (formerly Invitae), Labcorp
Classification: Uncertain significance. Last evaluated: 2025-09-02. Review status: criteria provided, single submitter. Criteria: Invitae Variant Classification Sherloc (09022015). Collection method: clinical testing. Allele origin: germline.
Comment: This sequence change replaces phenylalanine, which is neutral and non-polar, with valine, which is neutral and non-polar, at codon 269 of the RTTN protein (p.Phe269Val). This variant is present in population databases (rs141156594, gnomAD 0.004%). This variant has not been reported in the literature in individuals affected with RTTN-related conditions. ClinVar contains an entry for this variant (Variation ID: 1312780). Invitae Evidence Modeling of protein sequence and biophysical properties (such as structural, functional, and spatial information, amino acid conservation, physicochemical variation, residue mobility, and thermodynamic stability) indicates that this missense variant is expected to disrupt RTTN protein function with a positive predictive value of 80%. In summary, the available evidence is currently insufficient to determine the role of this variant in disease. Therefore, it has been classified as a Variant of Uncertain Significance.

GeneDx
Classification: Uncertain significance. Last evaluated: 2020-07-01. Review status: criteria provided, single submitter. Criteria: GeneDx Variant Classification Process June 2021. Collection method: clinical testing. Allele origin: germline. Affected: yes.
Comment: Not observed at a significant frequency in large population cohorts (Lek et al., 2016); In silico analysis supports that this missense variant has a deleterious effect on protein structure/function; Has not been previously published as pathogenic or benign to our knowledge

NM_173630.4(RTTN):c.805T>G (p.Phe269Val)

Gene: RTTN (rotatin; minus strand). Cytogenetic location: 18q22.2.
Variant type: single nucleotide variant.
Coding change: c.805T>G on transcript NM_173630.4 (MANE Select); coding-DNA position 805, T replaced by G.
Protein change: p.Phe269Val; replaces phenylalanine 269 with valine.
Molecular consequence: missense variant. On other transcripts: 5 prime UTR variant (1).
Genome position (GRCh38, 1-based): chr18:70,196,537, A>C on the plus strand (T>G on the coding strand, the complement: RTTN is on the minus strand). VCF-style: chr18-70196537-A-C. GRCh37 (hg19) VCF-style: chr18-67863773-A-C.
Other names: c.-1749T>G (NM_001318520.2); short protein forms F269V.
Identifiers: ClinVar variation 1312780 (VCV001312780.4), dbSNP rs141156594, ClinGen allele CA8996361.